The following is an entry in ClinVar:

ClinVar aggregate classification (germline): Uncertain significance (1 of 4 stars; one submission).

Allele frequency attached by ClinVar (database versions not stated): TOPMed below 0.00001; gnomAD 0.00001.
gnomAD v4.1: 1 of 1,612,622 alleles (0.000062%); highest among the groups gnomAD compares: Non-Finnish European, 0.000085%; no homozygotes.

Submission:

Labcorp Genetics (formerly Invitae), Labcorp
Classification: Uncertain significance. Last evaluated: 2024-03-01. Review status: criteria provided, single submitter. Criteria: Invitae Variant Classification Sherloc (09022015). Collection method: clinical testing. Allele origin: germline.
Comment: This sequence change creates a premature translational stop signal (p.Gly400*) in the SAMD9 gene. While this is not anticipated to result in nonsense mediated decay, it is expected to disrupt the last 1190 amino acid(s) of the SAMD9 protein. This variant is not present in population databases (gnomAD no frequency). This variant has not been reported in the literature in individuals affected with SAMD9-related conditions. In summary, the available evidence is currently insufficient to determine the role of this variant in disease. Therefore, it has been classified as a Variant of Uncertain Significance.

NM_017654.4(SAMD9):c.1198G>T (p.Gly400Ter)

Gene: SAMD9 (sterile alpha motif domain containing 9; minus strand). Cytogenetic location: 7q21.2.
Variant type: single nucleotide variant.
Coding change: c.1198G>T on transcript NM_017654.4 (MANE Select); coding-DNA position 1198, G replaced by T.
Protein change: p.Gly400Ter; replaces glycine 400 with a stop codon.
Molecular consequence: nonsense.
Genome position (GRCh38, 1-based): chr7:93,104,900, C>A on the plus strand (G>T on the coding strand, the complement: SAMD9 is on the minus strand). VCF-style: chr7-93104900-C-A. GRCh37 (hg19) VCF-style: chr7-92734213-C-A.
Other names: c.1198G>T, p.Gly400Ter (NM_001193307.2); short protein forms G400*.
Identifiers: ClinVar variation 2786208 (VCV002786208.3), dbSNP rs1791604306, ClinGen allele CA368201448.